The following is an entry in ClinVar:

NM_000303.3(PMM2):c.488_491del (p.Lys163fs)

Gene: PMM2 (phosphomannomutase 2; plus strand). Cytogenetic location: 16p13.2.
Variant type: Deletion.
Coding change: c.488_491del on transcript NM_000303.3 (MANE Select); coding-DNA positions 488 to 491, 4 bases deleted (AAGA; older notation c.488_491delAAGA).
Protein change: p.Lys163fs; shifts the reading frame from lysine 163.
Molecular consequence: frameshift variant.
Genome position (GRCh38, 1-based): chr16:8,811,678-8,811,681, AAGA deleted; deleting any 4 consecutive bases within chr16:8,811,676-8,811,681 gives the same sequence; the c. name uses the placement nearest the transcript's 3' end. VCF-style (leftmost placement, unchanged base first): chr16-8811675-GGAAA-G. GRCh37 (hg19) VCF-style: chr16-8905532-GGAAA-G.
Other names: short protein forms K163fs.
Identifiers: ClinVar variation 970523 (VCV000970523.11), dbSNP rs2060678732, ClinGen allele CA1139664498.
Genomic context (GRCh38, chr16:8,811,675, plus strand): 5'-TGGTATCTTTTTGTTTTTCTCAGAAAGAAAATATAAGACAAAAGTTTGTAGCAGATCTAC[GGAAA>G]GAGTTTGCTGGAAAAGGCCTCACGTTTTCCATAGGTATTGTATATATTGCCTGTGTTCCA-3'

ClinVar aggregate classification (germline): Pathogenic (1 of 4 stars; one submission).

Conditions:
PMM2-congenital disorder of glycosylation. Also called: CARBOHYDRATE-DEFICIENT GLYCOPROTEIN SYNDROME, TYPE Ia; PHOSPHOMANNOMUTASE 2 DEFICIENCY; CDG Ia; JAEKEN SYNDROME; Congenital disorder of glycosylation, type Ia; PMM2-CDG. Identifiers: Orphanet 79318, MedGen C0349653, MONDO:0008907, OMIM 212065.

Submission:

Labcorp Genetics (formerly Invitae), Labcorp
Classification: Pathogenic for PMM2-congenital disorder of glycosylation. Last evaluated: 2023-10-28. Review status: criteria provided, single submitter. Criteria: Invitae Variant Classification Sherloc (09022015). Collection method: clinical testing. Allele origin: germline.
Comment: This sequence change creates a premature translational stop signal (p.Lys163Serfs*11) in the PMM2 gene. It is expected to result in an absent or disrupted protein product. Loss-of-function variants in PMM2 are known to be pathogenic (PMID: 19862844). This variant is not present in population databases (gnomAD no frequency). This variant has not been reported in the literature in individuals affected with PMM2-related conditions. ClinVar contains an entry for this variant (Variation ID: 970523). For these reasons, this variant has been classified as Pathogenic.

Literature cited by the submitters: PubMed 19862844.